The following is an entry in ClinVar:

ClinVar aggregate classification (germline): Uncertain significance (1 of 4 stars; one submission).

Submission:

GeneDx
Classification: Uncertain significance. Last evaluated: 2024-12-31. Review status: criteria provided, single submitter. Criteria: GeneDx Variant Classification Process June 2021. Collection method: clinical testing. Allele origin: germline. Affected: yes.
Comment: Not observed at significant frequency in large population cohorts (gnomAD); In silico analysis supports that this missense variant has a deleterious effect on protein structure/function; Has not been previously published as pathogenic or benign to our knowledge; This variant is associated with the following publications: (PMID: 12070251)

NM_004380.3(CREBBP):c.4135T>G (p.Phe1379Val)

Gene: CREBBP (CREB binding lysine acetyltransferase; minus strand). Cytogenetic location: 16p13.3.
Variant type: single nucleotide variant.
Coding change: c.4135T>G on transcript NM_004380.3 (MANE Select); coding-DNA position 4135, T replaced by G.
Protein change: p.Phe1379Val; replaces phenylalanine 1379 with valine.
Molecular consequence: missense variant.
Genome position (GRCh38, 1-based): chr16:3,739,723, A>C on the plus strand (T>G on the coding strand, the complement: CREBBP is on the minus strand). VCF-style: chr16-3739723-A-C. GRCh37 (hg19) VCF-style: chr16-3789724-A-C.
Other names: c.4021T>G, p.Phe1341Val (NM_001079846.1); short protein forms F1341V, F1379V.
Identifiers: ClinVar variation 3908050 (VCV003908050.1).